The following is an entry in ClinVar:

NM_181523.3(PIK3R1):c.2109T>C (p.Leu703=)

Gene: PIK3R1 (phosphoinositide-3-kinase regulatory subunit 1; plus strand). Cytogenetic location: 5q13.1.
Variant type: single nucleotide variant.
Coding change: c.2109T>C on transcript NM_181523.3 (MANE Select); coding-DNA position 2109, T replaced by C.
Protein change: p.Leu703=; no amino-acid change (leucine 703 retained).
Molecular consequence: synonymous variant.
Genome position (GRCh38, 1-based): chr5:68,297,535, T>C. VCF-style: chr5-68297535-T-C. GRCh37 (hg19) VCF-style: chr5-67593363-T-C.
Other names: p.Leu703=; c.1020T>C, p.Leu340= (NM_001242466.2); c.1299T>C, p.Leu433= (NM_181504.4); c.1209T>C, p.Leu403= (NM_181524.2).
Identifiers: ClinVar variation 159721 (VCV000159721.20), dbSNP rs3729981, ClinGen allele CA173185.
Genomic context (GRCh38, chr5:68,297,535, plus strand): 5'-GCCCTATAACTTGTACAGCTCTCTGAAAGAACTGGTGCTACATTACCAACACACCTCCCT[T>C]GTGCAGCACAACGACTCCCTCAATGTCACACTAGCCTACCCAGTATATGCACAGCAGAGG-3'
Protein context (NP_852664.1, residues 693-713): ELVLHYQHTS[Leu703=]VQHNDSLNVT

ClinVar aggregate classification (germline): Benign/Likely benign. Review status: criteria provided, multiple submitters, no conflicts (2 of 4 stars). 6 submissions from 6 submitters: Benign (4); Likely benign (2). Last evaluated 2026-02-02.

Conditions:
SHORT syndrome. Also called: LIPODYSTROPHY, PARTIAL, WITH RIEGER ANOMALY AND SHORT STATURE; PIK3R1-Related SHORT Syndrome; SHORT STATURE, HYPEREXTENSIBILITY, HERNIA, OCULAR DEPRESSION, RIEGER ANOMALY, AND TEETHING DELAY. Identifiers: Orphanet 3163, MedGen C0878684, MONDO:0010026, OMIM 269880.
Agammaglobulinemia 7, autosomal recessive (AGM7). Also called: AGAMMAGLOBULINEMIA, AUTOSOMAL RECESSIVE, DUE TO PIK3R1 DEFECT. Identifiers: MedGen C3554689, MONDO:0014083, OMIM 615214.
Immunodeficiency 36 with lymphoproliferation. Also called: ACTIVATED PI3K-DELTA SYNDROME 2; Activated PI3K Delta Syndrome Type 2 (APDS2); Immunodeficiency 36. Identifiers: Orphanet 397596, Orphanet 693681, MedGen C4014934, MONDO:0014453, OMIM 616005.

Allele frequency attached by ClinVar (database versions not stated): gnomAD exomes 0.01186 and 0.00498; ExAC 0.01425; 1000 Genomes Project 0.04253; gnomAD 0.04359 and 0.04683; 1000 Genomes Project 30x 0.04685; TOPMed 0.04861; ESP Exome Variant Server 0.04890.
gnomAD v4.1: 14,241 of 1,614,152 alleles (0.88%); highest among the groups gnomAD compares: African/African-American, 15%; 931 homozygotes.

Submissions (6):

Labcorp Genetics (formerly Invitae), Labcorp
Classification: Benign for SHORT syndrome; Immunodeficiency 36 with lymphoproliferation; Agammaglobulinemia 7, autosomal recessive. Last evaluated: 2026-02-02. Review status: criteria provided, single submitter. Criteria: Invitae Variant Classification Sherloc (09022015). Collection method: clinical testing. Allele origin: germline.

Women's Health and Genetics/Laboratory Corporation of America, LabCorp
Classification: Benign. Last evaluated: 2026-01-21. Review status: criteria provided, single submitter. Criteria: LabCorp Variant Classification Summary - May 2015. Collection method: clinical testing. Allele origin: germline.

Mayo Clinic Laboratories, Mayo Clinic
Classification: Benign. Last evaluated: 2022-04-26. Review status: criteria provided, single submitter. Criteria: ACMG Guidelines, 2015. Collection method: clinical testing. Allele origin: germline. Observed: 41 variant alleles.

GeneDx
Classification: Benign. Last evaluated: 2018-05-01. Review status: criteria provided, single submitter. Criteria: GeneDx Variant Classification (06012015). Collection method: clinical testing. Allele origin: germline. Affected: yes.
Comment: This variant is considered likely benign or benign based on one or more of the following criteria: it is a conservative change, it occurs at a poorly conserved position in the protein, it is predicted to be benign by multiple in silico algorithms, and/or has population frequency not consistent with disease.

Genetic Services Laboratory, University of Chicago
Classification: Likely benign. Last evaluated: 2013-10-31. Review status: criteria provided, single submitter. Criteria: ACMG Guidelines, 2007. Collection method: clinical testing. Allele origin: germline. Inheritance: Autosomal dominant inheritance.
Comment: Likely benign based on allele frequency in 1000 Genomes Project or ESP global frequency and its presence in a patient with a rare or unrelated disease phenotype. NOT Sanger confirmed

Breakthrough Genomics
Classification: Likely benign. Review status: criteria provided, single submitter. Criteria: ACMG Guidelines, 2015. Collection method: not provided. Allele origin: germline. Inheritance: Autosomal recessive inheritance. Affected: yes.